The following is an entry in ClinVar:

NM_199355.4(ADAMTS18):c.1157C>G (p.Ala386Gly)

Gene: ADAMTS18 (ADAM metallopeptidase with thrombospondin type 1 motif 18; minus strand). Cytogenetic location: 16q23.1.
Variant type: single nucleotide variant.
Coding change: c.1157C>G on transcript NM_199355.4 (MANE Select); coding-DNA position 1157, C replaced by G.
Protein change: p.Ala386Gly; replaces alanine 386 with glycine.
Molecular consequence: missense variant.
Genome position (GRCh38, 1-based): chr16:77,362,164, G>C on the plus strand (C>G on the coding strand, the complement: ADAMTS18 is on the minus strand). VCF-style: chr16-77362164-G-C. GRCh37 (hg19) VCF-style: chr16-77396061-G-C.
Other names: c.641C>G, p.Ala214Gly (NM_001326358.2); short protein forms A214G, A386G.
Identifiers: ClinVar variation 1495287 (VCV001495287.8), dbSNP rs2144732112, ClinGen allele CA396835805.
Genomic context (GRCh38, chr16:77,362,164, plus strand): 5'-CCTAGAGTGTCACATGGTTCATTCTTCCAAGAACAAATATCAAATCCTGTTAGTAAGATG[G>C]CATGATCATGTCTCTTGCCATTCTTTCCAATGAGGGCAGACTGCCATTGACAAAAACTAT-3'
Protein context (NP_955387.1, residues 376-396): IGKNGKRHDH[Ala386Gly]ILLTGFDICS

ClinVar aggregate classification (germline): Uncertain significance (1 of 4 stars; one submission).

Submission:

Labcorp Genetics (formerly Invitae), Labcorp
Classification: Uncertain significance. Last evaluated: 2022-01-27. Review status: criteria provided, single submitter. Criteria: Invitae Variant Classification Sherloc (09022015). Collection method: clinical testing. Allele origin: germline.
Comment: This variant has not been reported in the literature in individuals affected with ADAMTS18-related conditions. This variant is not present in population databases (gnomAD no frequency). This sequence change replaces alanine, which is neutral and non-polar, with glycine, which is neutral and non-polar, at codon 386 of the ADAMTS18 protein (p.Ala386Gly). Algorithms developed to predict the effect of missense changes on protein structure and function are either unavailable or do not agree on the potential impact of this missense change (SIFT: "Not Available"; PolyPhen-2: "Probably Damaging"; Align-GVGD: "Not Available"). In summary, the available evidence is currently insufficient to determine the role of this variant in disease. Therefore, it has been classified as a Variant of Uncertain Significance.